The following is an entry in ClinVar:

ClinVar aggregate classification (germline): Uncertain significance (1 of 4 stars; one submission).

Conditions:
Inborn genetic diseases. Identifiers: MedGen C0950123, MeSH D030342.

gnomAD v4.1: 1 of 1,613,278 alleles (0.000062%); no homozygotes.

Submission:

Ambry Genetics
Classification: Uncertain significance for Inborn genetic diseases. Last evaluated: 2021-11-04. Review status: criteria provided, single submitter. Criteria: Ambry Variant Classification Scheme 2023. Collection method: clinical testing. Allele origin: germline.
Comment: The p.G955D variant (also known as c.2864G>A), located in coding exon 22 of the BUB1B gene, results from a G to A substitution at nucleotide position 2864. The glycine at codon 955 is replaced by aspartic acid, an amino acid with similar properties. This amino acid position is conserved. In addition, the in silico prediction for this alteration is inconclusive. Since supporting evidence is limited at this time, the clinical significance of this alteration remains unclear.

NM_001211.6(BUB1B):c.2864G>A (p.Gly955Asp)

Genes: BUB1B (BUB1 mitotic checkpoint serine/threonine kinase B; plus strand), BUB1B-PAK6 (BUB1B-PAK6 readthrough; plus strand). Cytogenetic location: 15q15.1.
Variant type: single nucleotide variant.
Coding change: c.2864G>A on transcript NM_001211.6 (MANE Select); coding-DNA position 2864, G replaced by A.
Protein change: p.Gly955Asp; replaces glycine 955 with aspartic acid.
Molecular consequence: missense variant. On other transcripts: intron variant (2).
Genome position (GRCh38, 1-based): chr15:40,218,469, G>A. VCF-style: chr15-40218469-G-A. GRCh37 (hg19) VCF-style: chr15-40510670-G-A.
Other names: c.-201+802G>A (NM_001128628.3); c.-118+802G>A (NM_001128629.3); short protein forms G955D.
Identifiers: ClinVar variation 1796988 (VCV001796988.2), dbSNP rs1409110552, ClinGen allele CA391688203.